The following is an entry in ClinVar:

NM_000049.4(ASPA):c.506C>A (p.Ser169Tyr)

Genes: ASPA (aspartoacylase; plus strand), SPATA22 (spermatogenesis associated 22; minus strand). Cytogenetic location: 17p13.2.
Variant type: single nucleotide variant.
Coding change: c.506C>A on transcript NM_000049.4 (MANE Select); coding-DNA position 506, C replaced by A.
Protein change: p.Ser169Tyr; replaces serine 169 with tyrosine.
Molecular consequence: missense variant. On other transcripts: intron variant (2).
Genome position (GRCh38, 1-based): chr17:3,483,572, C>A. VCF-style: chr17-3483572-C-A. GRCh37 (hg19) VCF-style: chr17-3386866-C-A.
Other names: c.506C>A, p.Ser169Tyr (NM_001128085.1); c.-73-14174G>T (NM_001321336.2, NM_001321337.2); short protein forms S169Y.
Identifiers: ClinVar variation 4854804 (VCV004854804.1).

ClinVar aggregate classification (germline): Uncertain significance (1 of 4 stars; one submission).

Conditions:
Spongy degeneration of central nervous system. Also called: ACY2 DEFICIENCY; AMINOACYLASE 2 DEFICIENCY; ASP DEFICIENCY; ASPA DEFICIENCY; ASPARTOACYLASE DEFICIENCY; CANAVAN-VAN BOGAERT-BERTRAND DISEASE. Identifiers: Orphanet 141, MedGen C0206307, MONDO:0010079, OMIM 271900.

Submission:

3billion
Classification: Uncertain significance for Spongy degeneration of central nervous system. Last evaluated: 2026-01-27. Review status: criteria provided, single submitter. Criteria: ACMG Guidelines, 2015. Collection method: clinical testing. Allele origin: germline. Affected: yes.
Comment: The variant is not observed in the gnomAD v4.1.0 dataset. Predicted Consequence/Location: Missense variant In silico tool predictions suggest damaging effect of the variant on gene or gene product [REVEL: 0.94 (>=0.6, sensitivity 0.68 and specificity 0.92); 3Cnet: 0.80 (> 0.75, sensitivity 0.96 and precision 0.92)]. Therefore, this variant is classified as VUS according to the recommendation of ACMG/AMP guideline.